The following is an entry in ClinVar:

NM_001378418.1(TCF20):c.1755C>T (p.Gly585=)

Gene: TCF20 (transcription factor 20; minus strand). Cytogenetic location: 22q13.2.
Variant type: single nucleotide variant.
Coding change: c.1755C>T on transcript NM_001378418.1 (MANE Select); coding-DNA position 1755, C replaced by T.
Protein change: p.Gly585=; no amino-acid change (glycine 585 retained).
Molecular consequence: synonymous variant.
Genome position (GRCh38, 1-based): chr22:42,213,551, G>A on the plus strand (C>T on the coding strand, the complement: TCF20 is on the minus strand). VCF-style: chr22-42213551-G-A. GRCh37 (hg19) VCF-style: chr22-42609557-G-A.
Other names: c.1755C>T, p.Gly585= (NM_005650.4, NM_181492.3).
Identifiers: ClinVar variation 2715141 (VCV002715141.16), dbSNP rs142476408, ClinGen allele CA10267125.

ClinVar aggregate classification (germline): Likely benign. Review status: criteria provided, multiple submitters, no conflicts (2 of 4 stars). 2 submissions from 2 submitters: Likely benign (2). Last evaluated 2026-01-12.

Allele frequency attached by ClinVar (database versions not stated): gnomAD exomes 0.00002; gnomAD 0.00004; TOPMed 0.00005; ExAC 0.00008; ESP Exome Variant Server 0.00008.

Submissions (2):

Labcorp Genetics (formerly Invitae), Labcorp
Classification: Likely benign. Last evaluated: 2026-01-12. Review status: criteria provided, single submitter. Criteria: Invitae Variant Classification Sherloc (09022015). Collection method: clinical testing. Allele origin: germline.

CeGaT Center for Human Genetics Tuebingen
Classification: Likely benign. Last evaluated: 2025-01-01. Review status: criteria provided, single submitter. Criteria: CeGaT Center For Human Genetics Tuebingen Variant Classification Criteria Version 2. Collection method: clinical testing. Allele origin: germline. Affected: yes. Observed: 1 variant allele.
Comment: TCF20: BP4, BP7